The following is an entry in ClinVar:

ClinVar aggregate classification (germline): Uncertain significance (1 of 4 stars; one submission).

Conditions:
Fanconi anemia (FA). Also called: Fanconi's anemia. Identifiers: Orphanet 84, MedGen C0015625, MeSH D005199, MONDO:0019391.

Submission:

Labcorp Genetics (formerly Invitae), Labcorp
Classification: Uncertain significance for Fanconi anemia. Last evaluated: 2017-11-16. Review status: criteria provided, single submitter. Criteria: Invitae Variant Classification Sherloc (09022015). Collection method: clinical testing. Allele origin: germline.
Comment: In summary, the available evidence is currently insufficient to determine the role of this variant in disease. Therefore, it has been classified as a Variant of Uncertain Significance. Algorithms developed to predict the effect of missense changes on protein structure and function do not agree on the potential impact of this missense change (SIFT: "Tolerated"; PolyPhen-2: "Possibly Damaging"; Align-GVGD: "Class C0"). This variant has not been reported in the literature in individuals with FANCM-related disease. This variant is not present in population databases (ExAC no frequency). This sequence change replaces lysine with glutamine at codon 209 of the FANCM protein (p.Lys209Gln). The lysine residue is moderately conserved and there is a small physicochemical difference between lysine and glutamine.

NM_020937.4(FANCM):c.625A>C (p.Lys209Gln)

Gene: FANCM (FA complementation group M; plus strand). Cytogenetic location: 14q21.2.
Variant type: single nucleotide variant.
Coding change: c.625A>C on transcript NM_020937.4 (MANE Select); coding-DNA position 625, A replaced by C.
Protein change: p.Lys209Gln; replaces lysine 209 with glutamine.
Molecular consequence: missense variant.
Genome position (GRCh38, 1-based): chr14:45,137,185, A>C. VCF-style: chr14-45137185-A-C. GRCh37 (hg19) VCF-style: chr14-45606388-A-C.
Other names: c.625A>C, p.Lys209Gln (NM_001308133.2, NM_001308134.2); short protein forms K209Q.
Identifiers: ClinVar variation 526428 (VCV000526428.8), dbSNP rs1555358657, ClinGen allele CA389588853.